The following is an entry in ClinVar:

NM_003954.5(MAP3K14):c.719G>T (p.Trp240Leu)

Gene: MAP3K14 (mitogen-activated protein kinase kinase kinase 14; minus strand). Cytogenetic location: 17q21.31.
Variant type: single nucleotide variant.
Coding change: c.719G>T on transcript NM_003954.5 (MANE Select); coding-DNA position 719, G replaced by T.
Protein change: p.Trp240Leu; replaces tryptophan 240 with leucine.
Molecular consequence: missense variant.
Genome position (GRCh38, 1-based): chr17:45,286,864, C>A on the plus strand (G>T on the coding strand, the complement: MAP3K14 is on the minus strand). VCF-style: chr17-45286864-C-A. GRCh37 (hg19) VCF-style: chr17-43364231-C-A.
Other names: short protein forms W240L.
Identifiers: ClinVar variation 1521658 (VCV001521658.6), dbSNP rs781742842, ClinGen allele CA8614288.

ClinVar aggregate classification (germline): Uncertain significance (1 of 4 stars; one submission).

Conditions:
NIK deficiency. Also called: Primary immunodeficiency with multifaceted aberrant lymphoid immunity. Identifiers: Orphanet 447731, MedGen C5680065, MONDO:0018642.

Allele frequency attached by ClinVar (database versions not stated): gnomAD exomes 0.00001 and 0.00002; ExAC 0.00003.
gnomAD v4.1: 8 of 1,614,022 alleles (0.0005%); highest among the groups gnomAD compares: East Asian, 0.018%; no homozygotes.

Submission:

Labcorp Genetics (formerly Invitae), Labcorp
Classification: Uncertain significance for NIK deficiency. Last evaluated: 2022-02-11. Review status: criteria provided, single submitter. Criteria: Invitae Variant Classification Sherloc (09022015). Collection method: clinical testing. Allele origin: germline.
Comment: In summary, the available evidence is currently insufficient to determine the role of this variant in disease. Therefore, it has been classified as a Variant of Uncertain Significance. Experimental studies and prediction algorithms are not available or were not evaluated, and the functional significance of this variant is currently unknown. This variant has not been reported in the literature in individuals affected with MAP3K14-related conditions. This variant is present in population databases (rs781742842, gnomAD 0.03%). This sequence change replaces tryptophan, which is neutral and slightly polar, with leucine, which is neutral and non-polar, at codon 240 of the MAP3K14 protein (p.Trp240Leu).